The following is an entry in ClinVar:

ClinVar aggregate classification (germline): Uncertain significance (1 of 4 stars; one submission).

Conditions:
Cardiovascular phenotype. Identifiers: MedGen CN230736.

Submission:

Ambry Genetics
Classification: Uncertain significance for Cardiovascular phenotype. Last evaluated: 2026-05-14. Review status: criteria provided, single submitter. Criteria: Ambry Variant Classification Scheme 2023. Collection method: clinical testing. Allele origin: germline.
Comment: The p.Y124H variant (also known as c.370T>C), located in coding exon 2 of the CYP27A1 gene, results from a T to C substitution at nucleotide position 370. The tyrosine at codon 124 is replaced by histidine, an amino acid with similar properties. This amino acid position is conserved. In addition, this alteration is predicted to be tolerated by in silico analysis. Based on the available evidence, the clinical significance of this variant remains unclear.

NM_000784.4(CYP27A1):c.370T>C (p.Tyr124His)

Gene: CYP27A1 (cytochrome P450 family 27 subfamily A member 1; plus strand). Cytogenetic location: 2q35.
Variant type: single nucleotide variant.
Coding change: c.370T>C on transcript NM_000784.4 (MANE Select); coding-DNA position 370, T replaced by C.
Protein change: p.Tyr124His; replaces tyrosine 124 with histidine.
Molecular consequence: missense variant.
Genome position (GRCh38, 1-based): chr2:218,809,691, T>C. VCF-style: chr2-218809691-T-C. GRCh37 (hg19) VCF-style: chr2-219674414-T-C.
Other names: short protein forms Y124H.
Identifiers: ClinVar variation 4869576 (VCV004869576.1).